The following is an entry in ClinVar:

ClinVar aggregate classification (germline): Uncertain significance (1 of 4 stars; one submission).

Conditions:
SEMA3F-related disorder. Also called: SEMA3F-related condition.

gnomAD v4.1: 12 of 1,605,858 alleles (0.00075%); highest among the groups gnomAD compares: Non-Finnish European, 0.00051%; no homozygotes.

Submission:

PreventionGenetics, part of Exact Sciences
Classification: Uncertain significance for SEMA3F-related condition. Last evaluated: 2025-09-12. Review status: criteria provided, single submitter. Criteria: ACMG Guidelines, 2015. Collection method: clinical testing. Allele origin: germline.
Comment: The SEMA3F c.1838T>C variant is predicted to result in the amino acid substitution p.Val613Ala. To our knowledge, this variant has not been reported in the literature. This variant is reported in 0.010% of alleles in individuals of Ashkenazi Jewish descent in gnomAD. At this time, the clinical significance of this variant is uncertain due to the absence of conclusive functional and genetic evidence.

NM_004186.5(SEMA3F):c.1838T>C (p.Val613Ala)

Gene: SEMA3F (semaphorin 3F; plus strand). Cytogenetic location: 3p21.31.
Variant type: single nucleotide variant.
Coding change: c.1838T>C on transcript NM_004186.5 (MANE Select); coding-DNA position 1838, T replaced by C.
Protein change: p.Val613Ala; replaces valine 613 with alanine.
Molecular consequence: missense variant.
Genome position (GRCh38, 1-based): chr3:50,186,637, T>C. VCF-style: chr3-50186637-T-C. GRCh37 (hg19) VCF-style: chr3-50224070-T-C.
Other names: c.1541T>C, p.Val514Ala (NM_001318798.2); c.1745T>C, p.Val582Ala (NM_001318800.2); short protein forms V514A, V582A, V613A.
Identifiers: ClinVar variation 3346488 (VCV003346488.2).